The following is an entry in ClinVar:

ClinVar aggregate classification (germline): Uncertain significance (1 of 4 stars; one submission).

Conditions:
Ataxia-telangiectasia syndrome (AT). Also called: Ataxia telangiectasia (A-T); LOUIS-BAR SYNDROME; Cerebello-oculocutaneous telangiectasia; Immunodeficiency with ataxia telangiectasia; AT, COMPLEMENTATION GROUP C; Ataxia-telangiectasia, complementation group D. Identifiers: Orphanet 100, MedGen C0004135, MONDO:0008840, OMIM 208900.

Submission:

Labcorp Genetics (formerly Invitae), Labcorp
Classification: Uncertain significance for Ataxia-telangiectasia syndrome. Last evaluated: 2020-11-10. Review status: criteria provided, single submitter. Criteria: Invitae Variant Classification Sherloc (09022015). Collection method: clinical testing. Allele origin: germline.
Comment: In summary, the available evidence is currently insufficient to determine the role of this variant in disease. Therefore, it has been classified as a Variant of Uncertain Significance. This sequence change replaces serine with asparagine at codon 328 of the ATM protein (p.Ser328Asn). The serine residue is moderately conserved and there is a small physicochemical difference between serine and asparagine. This variant is not present in population databases (ExAC no frequency). This variant has not been reported in the literature in individuals with ATM-related conditions. Advanced modeling of protein sequence and biophysical properties (such as structural, functional, and spatial information, amino acid conservation, physicochemical variation, residue mobility, and thermodynamic stability) performed at Invitae indicates that this missense variant is not expected to disrupt ATM protein function.

NM_000051.4(ATM):c.983G>A (p.Ser328Asn)

Gene: ATM (ATM serine/threonine kinase; plus strand). Cytogenetic location: 11q22.3.
Variant type: single nucleotide variant.
Coding change: c.983G>A on transcript NM_000051.4 (MANE Select); coding-DNA position 983, G replaced by A.
Protein change: p.Ser328Asn; replaces serine 328 with asparagine.
Molecular consequence: missense variant.
Genome position (GRCh38, 1-based): chr11:108,247,045, G>A. VCF-style: chr11-108247045-G-A. GRCh37 (hg19) VCF-style: chr11-108117772-G-A.
Other names: c.983G>A, p.Ser328Asn (NM_001351834.2); short protein forms S328N.
Identifiers: ClinVar variation 1421648 (VCV001421648.8), dbSNP rs2135267189, ClinGen allele CA382531186.